The following is an entry in ClinVar:

NM_198253.3(TERT):c.1307C>T (p.Ala436Val)

Gene: TERT (telomerase reverse transcriptase; minus strand). Cytogenetic location: 5p15.33.
Variant type: single nucleotide variant.
Coding change: c.1307C>T on transcript NM_198253.3 (MANE Select); coding-DNA position 1307, C replaced by T.
Protein change: p.Ala436Val; replaces alanine 436 with valine.
Molecular consequence: missense variant. On other transcripts: non-coding transcript variant (2).
Genome position (GRCh38, 1-based): chr5:1,293,579, G>A on the plus strand (C>T on the coding strand, the complement: TERT is on the minus strand). VCF-style: chr5-1293579-G-A. GRCh37 (hg19) VCF-style: chr5-1293694-G-A.
Other names: c.1307C>T, p.Ala436Val (NM_001193376.3); short protein forms A436V.
Identifiers: ClinVar variation 471819 (VCV000471819.14), dbSNP rs986886145, ClinGen allele CA112957696.

ClinVar aggregate classification (germline): Uncertain significance. Review status: criteria provided, multiple submitters, no conflicts (2 of 4 stars). 2 submissions from 2 submitters: Uncertain significance (2). Last evaluated 2025-04-28.

Conditions:
Dyskeratosis congenita, autosomal dominant 2. Identifiers: MedGen C3151443, MONDO:0013521, OMIM 613989.
Idiopathic Pulmonary Fibrosis. Also called: Idiopathic fibrosing alveolitis, chronic form; idiopathic fibrosing alveolitis. Identifiers: Orphanet 2032, MedGen C1800706, MeSH D054990, MONDO:0800504.
Dyskeratosis congenita. Identifiers: Orphanet 1775, MedGen C0265965, MONDO:0015780.

Allele frequency attached by ClinVar (database versions not stated): gnomAD 0.00001; gnomAD exomes 0.00001; TOPMed 0.00001.
gnomAD v4.1: 19 of 1,545,346 alleles (0.0012%); highest among the groups gnomAD compares: Non-Finnish European, 0.0016%; no homozygotes.

Submissions (2):

Ambry Genetics
Classification: Uncertain significance for Dyskeratosis congenita. Last evaluated: 2025-04-28. Review status: criteria provided, single submitter. Criteria: Ambry Variant Classification Scheme 2023. Collection method: clinical testing. Allele origin: germline.
Comment: The p.A436V variant (also known as c.1307C>T), located in coding exon 2 of the TERT gene, results from a C to T substitution at nucleotide position 1307. The alanine at codon 436 is replaced by valine, an amino acid with similar properties. This amino acid position is not well conserved in available vertebrate species. In addition, this alteration is predicted to be tolerated by in silico analysis. Based on the available evidence, the clinical significance of this variant remains unclear.

Labcorp Genetics (formerly Invitae), Labcorp
Classification: Uncertain significance for Dyskeratosis congenita, autosomal dominant 2; Idiopathic Pulmonary Fibrosis. Last evaluated: 2025-01-06. Review status: criteria provided, single submitter. Criteria: Invitae Variant Classification Sherloc (09022015). Collection method: clinical testing. Allele origin: germline.
Comment: This sequence change replaces alanine, which is neutral and non-polar, with valine, which is neutral and non-polar, at codon 436 of the TERT protein (p.Ala436Val). This variant is not present in population databases (gnomAD no frequency). This variant has not been reported in the literature in individuals affected with TERT-related conditions. ClinVar contains an entry for this variant (Variation ID: 471819). Invitae Evidence Modeling of protein sequence and biophysical properties (such as structural, functional, and spatial information, amino acid conservation, physicochemical variation, residue mobility, and thermodynamic stability) indicates that this missense variant is not expected to disrupt TERT protein function with a negative predictive value of 95%. In summary, the available evidence is currently insufficient to determine the role of this variant in disease. Therefore, it has been classified as a Variant of Uncertain Significance.